The following is an entry in ClinVar:

ClinVar aggregate classification (germline): Uncertain significance. Review status: criteria provided, multiple submitters, no conflicts (2 of 4 stars). 2 submissions from 2 submitters: Uncertain significance (2). Last evaluated 2025-09-03.

Conditions:
Hereditary cancer-predisposing syndrome. Also called: Tumor predisposition; Hereditary Cancer Syndrome; Hereditary neoplastic syndrome; Neoplastic Syndromes, Hereditary. Identifiers: Orphanet 140162, MedGen C0027672, MeSH D009386, MONDO:0015356.
EGFR-related lung cancer (EGFR). Identifiers: MedGen CN130014.

Submissions (2):

Ambry Genetics
Classification: Uncertain significance for Hereditary cancer-predisposing syndrome. Last evaluated: 2025-09-03. Review status: criteria provided, single submitter. Criteria: Ambry Variant Classification Scheme 2023. Collection method: clinical testing. Allele origin: germline.
Comment: The p.V70A variant (also known as c.209T>C), located in coding exon 2 of the EGFR gene, results from a T to C substitution at nucleotide position 209. The valine at codon 70 is replaced by alanine, an amino acid with similar properties. This amino acid position is not well conserved in available vertebrate species. In addition, the in silico prediction for this alteration is inconclusive. Based on the available evidence, the clinical significance of this variant remains unclear.

Labcorp Genetics (formerly Invitae), Labcorp
Classification: Uncertain significance for EGFR-related lung cancer. Last evaluated: 2023-02-16. Review status: criteria provided, single submitter. Criteria: Invitae Variant Classification Sherloc (09022015). Collection method: clinical testing. Allele origin: germline.
Comment: In summary, the available evidence is currently insufficient to determine the role of this variant in disease. Therefore, it has been classified as a Variant of Uncertain Significance. Advanced modeling of protein sequence and biophysical properties (such as structural, functional, and spatial information, amino acid conservation, physicochemical variation, residue mobility, and thermodynamic stability) performed at Invitae indicates that this missense variant is not expected to disrupt EGFR protein function. This variant has not been reported in the literature in individuals affected with EGFR-related conditions. This variant is not present in population databases (gnomAD no frequency). This sequence change replaces valine, which is neutral and non-polar, with alanine, which is neutral and non-polar, at codon 70 of the EGFR protein (p.Val70Ala).

NM_005228.5(EGFR):c.209T>C (p.Val70Ala)

Gene: EGFR (epidermal growth factor receptor; plus strand). Cytogenetic location: 7p11.2.
Variant type: single nucleotide variant.
Coding change: c.209T>C on transcript NM_005228.5 (MANE Select); coding-DNA position 209, T replaced by C.
Protein change: p.Val70Ala; replaces valine 70 with alanine.
Molecular consequence: missense variant. On other transcripts: intron variant (1).
Genome position (GRCh38, 1-based): chr7:55,142,406, T>C. VCF-style: chr7-55142406-T-C. GRCh37 (hg19) VCF-style: chr7-55210099-T-C.
Other names: c.209T>C, p.Val70Ala (NM_001346897.2, NM_001346898.2, NM_001346899.2 and 3 more transcripts); c.50T>C, p.Val17Ala (NM_001346900.2); c.89-13424T>C (NM_001346941.2); short protein forms V70A, V17A.
Identifiers: ClinVar variation 1972402 (VCV001972402.6), dbSNP rs1794510106, ClinGen allele CA367574915.